The following is an entry in ClinVar:

NM_000180.4(GUCY2D):c.696G>T (p.Lys232Asn)

Gene: GUCY2D (guanylate cyclase 2D, retinal; plus strand). Cytogenetic location: 17p13.1.
Variant type: single nucleotide variant.
Coding change: c.696G>T on transcript NM_000180.4 (MANE Select); coding-DNA position 696, G replaced by T.
Protein change: p.Lys232Asn; replaces lysine 232 with asparagine.
Molecular consequence: missense variant.
Genome position (GRCh38, 1-based): chr17:8,003,743, G>T. VCF-style: chr17-8003743-G-T. GRCh37 (hg19) VCF-style: chr17-7907061-G-T.
Other names: short protein forms K232N.
Identifiers: ClinVar variation 471239 (VCV000471239.9), dbSNP rs181800610, ClinGen allele CA8365536.

ClinVar aggregate classification (germline): Uncertain significance (1 of 4 stars; one submission).

Conditions:
Cone-rod dystrophy 6 (CORD6). Also called: Cone dystrophy progressive; RETINAL CONE DYSTROPHY 2. Identifiers: Orphanet 1872, MedGen C1866293, MONDO:0011143, OMIM 601777.
Leber congenital amaurosis 1 (LCA1). Also called: Congenital absence of the rods and cones; Leber's congenital tapetoretinal degeneration; Leber's congenital tapetoretinal dysplasia; AMAUROSIS CONGENITA OF LEBER I; RETINAL BLINDNESS, CONGENITAL. Identifiers: Orphanet 65, MedGen C2931258, MONDO:0008764, OMIM 204000.

Allele frequency attached by ClinVar (database versions not stated): ExAC 0.00001; gnomAD 0.00001 and 0.00002; gnomAD exomes 0.00001; TOPMed 0.00002; 1000 Genomes Project 30x 0.00031; 1000 Genomes Project 0.00040.

Submission:

Labcorp Genetics (formerly Invitae), Labcorp
Classification: Uncertain significance for Leber congenital amaurosis 1; Cone-rod dystrophy 6. Last evaluated: 2025-04-21. Review status: criteria provided, single submitter. Criteria: Invitae Variant Classification Sherloc (09022015). Collection method: clinical testing. Allele origin: germline.
Comment: This sequence change replaces lysine, which is basic and polar, with asparagine, which is neutral and polar, at codon 232 of the GUCY2D protein (p.Lys232Asn). This variant is present in population databases (rs181800610, gnomAD 0.006%). This variant has not been reported in the literature in individuals affected with GUCY2D-related conditions. ClinVar contains an entry for this variant (Variation ID: 471239). Invitae Evidence Modeling of protein sequence and biophysical properties (such as structural, functional, and spatial information, amino acid conservation, physicochemical variation, residue mobility, and thermodynamic stability) indicates that this missense variant is not expected to disrupt GUCY2D protein function with a negative predictive value of 80%. In summary, the available evidence is currently insufficient to determine the role of this variant in disease. Therefore, it has been classified as a Variant of Uncertain Significance.